The following is an entry in ClinVar:

ClinVar aggregate classification (germline): Uncertain significance (1 of 4 stars; one submission).

Conditions:
Arrhythmogenic right ventricular dysplasia 5. Also called: Arrhythmogenic Right Ventricular Dysplasia/Cardiomyopathy 5; ARRHYTHMOGENIC RIGHT VENTRICULAR DYSPLASIA, FAMILIAL, 5. Identifiers: MedGen C1858379, MONDO:0011459, OMIM 604400.

gnomAD v4.1: 1 of 1,613,544 alleles (0.000062%); highest among the groups gnomAD compares: Admixed American, 0.0017%; no homozygotes.

Submission:

Labcorp Genetics (formerly Invitae), Labcorp
Classification: Uncertain significance for Arrhythmogenic right ventricular dysplasia 5. Last evaluated: 2024-03-06. Review status: criteria provided, single submitter. Criteria: Invitae Variant Classification Sherloc (09022015). Collection method: clinical testing. Allele origin: germline.
Comment: This sequence change replaces glycine, which is neutral and non-polar, with arginine, which is basic and polar, at codon 86 of the TMEM43 protein (p.Gly86Arg). This variant is not present in population databases (gnomAD no frequency). This variant has not been reported in the literature in individuals affected with TMEM43-related conditions. Advanced modeling of protein sequence and biophysical properties (such as structural, functional, and spatial information, amino acid conservation, physicochemical variation, residue mobility, and thermodynamic stability) performed at Invitae indicates that this missense variant is not expected to disrupt TMEM43 protein function with a negative predictive value of 80%. In summary, the available evidence is currently insufficient to determine the role of this variant in disease. Therefore, it has been classified as a Variant of Uncertain Significance.

NM_024334.3(TMEM43):c.256G>A (p.Gly86Arg)

Gene: TMEM43 (transmembrane protein 43; plus strand). Cytogenetic location: 3p25.1.
Variant type: single nucleotide variant.
Coding change: c.256G>A on transcript NM_024334.3 (MANE Select); coding-DNA position 256, G replaced by A.
Protein change: p.Gly86Arg; replaces glycine 86 with arginine.
Molecular consequence: missense variant.
Genome position (GRCh38, 1-based): chr3:14,130,915, G>A. VCF-style: chr3-14130915-G-A. GRCh37 (hg19) VCF-style: chr3-14172415-G-A.
Other names: c.256G>A, p.Gly86Arg (NM_001407274.1, NM_001407275.1, NM_001407276.1 and 2 more transcripts); c.241G>A, p.Gly81Arg (NM_001407278.1); c.106G>A, p.Gly36Arg (NM_001407280.1); short protein forms G36R, G81R, G86R.
Identifiers: ClinVar variation 3644674 (VCV003644674.2).